The following is an entry in ClinVar:

NM_020433.5(JPH2):c.202A>C (p.Lys68Gln)

Gene: JPH2 (junctophilin 2; minus strand). Cytogenetic location: 20q13.12.
Variant type: single nucleotide variant.
Coding change: c.202A>C on transcript NM_020433.5 (MANE Select); coding-DNA position 202, A replaced by C.
Protein change: p.Lys68Gln; replaces lysine 68 with glutamine.
Molecular consequence: missense variant.
Genome position (GRCh38, 1-based): chr20:44,186,504, T>G on the plus strand (A>C on the coding strand, the complement: JPH2 is on the minus strand). VCF-style: chr20-44186504-T-G. GRCh37 (hg19) VCF-style: chr20-42815144-T-G.
Other names: c.202A>C, p.Lys68Gln (NM_175913.4); short protein forms K68Q.
Identifiers: ClinVar variation 1784719 (VCV001784719.2), dbSNP rs758036911, ClinGen allele CA9868912.

ClinVar aggregate classification (germline): Uncertain significance (1 of 4 stars; one submission).

Conditions:
Cardiovascular phenotype. Identifiers: MedGen CN230736.

Allele frequency attached by ClinVar (database versions not stated): ExAC 0.00001; gnomAD exomes 0.00001.
gnomAD v4.1: 9 of 1,614,040 alleles (0.00056%); highest among the groups gnomAD compares: Admixed American, 0.0033%; no homozygotes.

Submission:

Ambry Genetics
Classification: Uncertain significance for Cardiovascular phenotype. Last evaluated: 2022-04-03. Review status: criteria provided, single submitter. Criteria: Ambry Variant Classification Scheme 2023. Collection method: clinical testing. Allele origin: germline.
Comment: The p.K68Q variant (also known as c.202A>C), located in coding exon 1 of the JPH2 gene, results from an A to C substitution at nucleotide position 202. The lysine at codon 68 is replaced by glutamine, an amino acid with similar properties. This amino acid position is conserved. In addition, this alteration is predicted to be tolerated by in silico analysis. Since supporting evidence is limited at this time, the clinical significance of this alteration remains unclear.